The following is an entry in ClinVar:

NM_005343.4(HRAS):c.106A>G (p.Ile36Val)

Genes: HRAS (HRas proto-oncogene, GTPase; minus strand), LRRC56 (leucine rich repeat containing 56; plus strand). Cytogenetic location: 11p15.5.
Variant type: single nucleotide variant.
Coding change: c.106A>G on transcript NM_005343.4 (MANE Select); coding-DNA position 106, A replaced by G.
Protein change: p.Ile36Val; replaces isoleucine 36 with valine.
Molecular consequence: missense variant. On other transcripts: 5 prime UTR variant (1).
Genome position (GRCh38, 1-based): chr11:534,217, T>C on the plus strand (A>G on the coding strand, the complement: HRAS is on the minus strand). VCF-style: chr11-534217-T-C. GRCh37 (hg19) VCF-style: chr11-534217-T-C.
Other names: c.106A>G, p.Ile36Val (NM_001130442.3, NM_176795.5); c.-214A>G (NM_001318054.2); short protein forms I36V.
Identifiers: ClinVar variation 409947 (VCV000409947.7), dbSNP rs1060502663, ClinGen allele CA16613600.
Genomic context (GRCh38, chr11:534,217, plus strand): 5'-GTCCTGGGCTCGCCCGCAGCAGCTGCTGGCACCTGGACGGCGGCGCCAGGCTCACCTCTA[T>C]AGTGGGGTCGTATTCGTCCACAAAATGGTTCTGGATCAGCTGGATGGTCAGCGCACTCTT-3'
Protein context (NP_005334.1, residues 26-46): NHFVDEYDPT[Ile36Val]EDSYRKQVVI

ClinVar aggregate classification (germline): Uncertain significance (1 of 4 stars; one submission).

Conditions:
Costello syndrome (CSTLO). Also called: HRAS-Related Costello Syndrome; FCS SYNDROME; FACIOCUTANEOSKELETAL SYNDROME. Identifiers: Orphanet 3071, MedGen C0587248, MONDO:0009026, OMIM 218040.

Submission:

Labcorp Genetics (formerly Invitae), Labcorp
Classification: Uncertain significance for Costello syndrome. Last evaluated: 2021-08-27. Review status: criteria provided, single submitter. Criteria: Invitae Variant Classification Sherloc (09022015). Collection method: clinical testing. Allele origin: germline.
Comment: In summary, the available evidence is currently insufficient to determine the role of this variant in disease. Therefore, it has been classified as a Variant of Uncertain Significance. Algorithms developed to predict the effect of missense changes on protein structure and function are either unavailable or do not agree on the potential impact of this missense change (SIFT: "Deleterious"; PolyPhen-2: "Benign"; Align-GVGD: "Class C25"). This variant has not been reported in the literature in individuals affected with HRAS-related conditions. This variant is not present in population databases (ExAC no frequency). This sequence change replaces isoleucine with valine at codon 36 of the HRAS protein (p.Ile36Val). The isoleucine residue is highly conserved and there is a small physicochemical difference between isoleucine and valine.